The following is an entry in ClinVar:

ClinVar aggregate classification (germline): Likely benign (1 of 4 stars; one submission).

Submission:

CeGaT Center for Human Genetics Tuebingen
Classification: Likely benign. Last evaluated: 2024-02-01. Review status: criteria provided, single submitter. Criteria: CeGaT Center For Human Genetics Tuebingen Variant Classification Criteria Version 2. Collection method: clinical testing. Allele origin: germline. Affected: yes. Observed: 1 variant allele.
Comment: COL5A1: PM2:Supporting, BP4, BP7

NM_000093.5(COL5A1):c.5299C>T (p.Leu1767=)

Genes: COL5A1 (collagen type V alpha 1 chain; plus strand), LOC101448202 (uncharacterized LOC101448202; minus strand). Cytogenetic location: 9q34.3.
Variant type: single nucleotide variant.
Coding change: c.5299C>T on transcript NM_000093.5 (MANE Select); coding-DNA position 5299, C replaced by T.
Protein change: p.Leu1767=; no amino-acid change (leucine 1767 retained).
Molecular consequence: synonymous variant.
Genome position (GRCh38, 1-based): chr9:134,835,133, C>T. VCF-style: chr9-134835133-C-T. GRCh37 (hg19) VCF-style: chr9-137726979-C-T.
Other names: c.5299C>T, p.Leu1767= (NM_001278074.1).
Identifiers: ClinVar variation 3025175 (VCV003025175.22), dbSNP rs2490930723, ClinGen allele CA467667236.